The following is an entry in ClinVar:

NM_000744.7(CHRNA4):c.548C>T (p.Thr183Ile)

Gene: CHRNA4 (cholinergic receptor nicotinic alpha 4 subunit; minus strand). Cytogenetic location: 20q13.33.
Variant type: single nucleotide variant.
Coding change: c.548C>T on transcript NM_000744.7 (MANE Select); coding-DNA position 548, C replaced by T.
Protein change: p.Thr183Ile; replaces threonine 183 with isoleucine.
Molecular consequence: missense variant. On other transcripts: non-coding transcript variant (1).
Genome position (GRCh38, 1-based): chr20:63,350,863, G>A on the plus strand (C>T on the coding strand, the complement: CHRNA4 is on the minus strand). VCF-style: chr20-63350863-G-A. GRCh37 (hg19) VCF-style: chr20-61982215-G-A.
Other names: c.20C>T, p.Thr7Ile (NM_001256573.2); short protein forms T183I, T7I.
Identifiers: ClinVar variation 3252273 (VCV003252273.1), dbSNP rs772526356.
Genomic context (GRCh38, chr20:63,350,863, plus strand): 5'-AAGTCCAGCTGGTCCACGCGGCTGTGCATGTTCACCAGGTCGATCTTGGCCTTGTCGTAG[G>A]TCCAGGAGCCGAATTTCATGGTGCAGTTCTGCTGGTCGAAGGGGAAGAAGGTGACGTCGA-3'
Protein context (NP_000735.1, residues 173-193): QNCTMKFGSW[Thr183Ile]YDKAKIDLVN

ClinVar aggregate classification (germline): Uncertain significance (1 of 4 stars; one submission).

Allele frequency attached by ClinVar (database versions not stated): TOPMed below 0.00001; ExAC 0.00001; gnomAD 0.00001; gnomAD exomes 0.00001.

Submission:

GeneDx
Classification: Uncertain significance. Last evaluated: 2023-10-10. Review status: criteria provided, single submitter. Criteria: GeneDx Variant Classification Process June 2021. Collection method: clinical testing. Allele origin: germline. Affected: yes.
Comment: In silico analysis supports that this missense variant has a deleterious effect on protein structure/function; Has not been previously published as pathogenic or benign to our knowledge